The following is an entry in ClinVar:

NM_206933.4(USH2A):c.6234del (p.Lys2080fs)

Gene: USH2A (usherin; minus strand). Cytogenetic location: 1q41.
Variant type: Deletion.
Coding change: c.6234del on transcript NM_206933.4 (MANE Select); coding-DNA position 6234, one base deleted (C; older notation c.6234delC).
Protein change: p.Lys2080fs; shifts the reading frame from lysine 2080.
Molecular consequence: frameshift variant.
Genome position (GRCh38, 1-based): chr1:216,046,522, G deleted on the plus strand (C on the coding strand, the reverse complement: USH2A is on the minus strand); the first of 3 consecutive G bases (chr1:216,046,522-216,046,524); deleting any one gives the same sequence. VCF-style (leftmost placement, unchanged base first): chr1-216046521-TG-T. GRCh37 (hg19) VCF-style: chr1-216219863-TG-T.
Other names: short protein forms K2080fs.
Identifiers: ClinVar variation 1412546 (VCV001412546.6), dbSNP rs2030528716, ClinGen allele CA1220532626.

ClinVar aggregate classification (germline): Pathogenic (1 of 4 stars; one submission).

Submission:

Labcorp Genetics (formerly Invitae), Labcorp
Classification: Pathogenic. Last evaluated: 2022-12-10. Review status: criteria provided, single submitter. Criteria: Invitae Variant Classification Sherloc (09022015). Collection method: clinical testing. Allele origin: germline.
Comment: This variant has not been reported in the literature in individuals affected with USH2A-related conditions. This variant is not present in population databases (gnomAD no frequency). This sequence change creates a premature translational stop signal (p.Lys2080Argfs*6) in the USH2A gene. It is expected to result in an absent or disrupted protein product. Loss-of-function variants in USH2A are known to be pathogenic (PMID: 10729113, 10909849, 20507924, 25649381). ClinVar contains an entry for this variant (Variation ID: 1412546). For these reasons, this variant has been classified as Pathogenic.

Literature cited by the submitters: PubMed 10729113; PubMed 10909849; PubMed 20507924; PubMed 25649381.